The following is an entry in ClinVar:

ClinVar aggregate classification (germline): Conflicting classifications of pathogenicity. Review status: criteria provided, conflicting classifications (1 of 4 stars). 5 submissions from 5 submitters: Uncertain significance (1); Benign (1); Likely benign (2). 1 of the submissions does not count toward it. Last evaluated 2025-08-01.

Conditions:
Microcephaly 4, primary, autosomal recessive. Identifiers: Orphanet 2512, MedGen C1858516, MONDO:0011437, OMIM 604321.
KNL1-related disorder. Also called: KNL1-related condition.

Allele frequency attached by ClinVar (database versions not stated): 1000 Genomes Project 0.00020; 1000 Genomes Project 30x 0.00031; gnomAD exomes 0.00043 and 0.00093; TOPMed 0.00056; gnomAD 0.00062 and 0.00066; ExAC 0.00074; ESP Exome Variant Server 0.00110.
gnomAD v4.1: 776 of 1,604,972 alleles (0.048%); highest among the groups gnomAD compares: Non-Finnish European, 0.0088%; 5 homozygotes.

Submissions (5):

CeGaT Center for Human Genetics Tuebingen
Classification: Likely benign. Last evaluated: 2025-08-01. Review status: criteria provided, single submitter. Criteria: CeGaT Center For Human Genetics Tuebingen Variant Classification Criteria Version 2. Collection method: clinical testing. Allele origin: germline. Affected: yes. Observed: 2 variant alleles.
Comment: KNL1: BP4, BP7

Labcorp Genetics (formerly Invitae), Labcorp
Classification: Benign. Last evaluated: 2019-12-31. Review status: criteria provided, single submitter. Criteria: Invitae Variant Classification Sherloc (09022015). Collection method: clinical testing. Allele origin: germline.

Illumina Laboratory Services, Illumina
Classification: Uncertain significance for Microcephaly 4, primary, autosomal recessive. Last evaluated: 2018-01-13. Review status: criteria provided, single submitter. Criteria: ICSL Variant Classification Criteria 13 December 2019. Collection method: clinical testing. Allele origin: germline.

Genetic Services Laboratory, University of Chicago
Classification: Likely benign for AllHighlyPenetrant. Last evaluated: 2013-08-05. Review status: criteria provided, single submitter. Criteria: ACMG Guidelines, 2007. Collection method: clinical testing. Allele origin: germline. Inheritance: Autosomal recessive inheritance.

PreventionGenetics, part of Exact Sciences
Classification: Benign for KNL1-related condition. Last evaluated: 2019-06-17. Review status: no assertion criteria provided. Collection method: clinical testing. Allele origin: germline. Not counted in ClinVar's aggregate classification.
Comment: This variant is classified as benign based on ACMG/AMP sequence variant interpretation guidelines (Richards et al. 2015 PMID: 25741868, with internal and published modifications).

NM_144508.5(KNL1):c.5631C>T (p.Leu1877=)

Gene: KNL1 (kinetochore scaffold 1; plus strand). Cytogenetic location: 15q15.1.
Variant type: single nucleotide variant.
Coding change: c.5631C>T on transcript NM_144508.5 (MANE Select); coding-DNA position 5631, C replaced by T.
Protein change: p.Leu1877=; no amino-acid change (leucine 1877 retained).
Molecular consequence: synonymous variant.
Genome position (GRCh38, 1-based): chr15:40,629,320, C>T. VCF-style: chr15-40629320-C-T. GRCh37 (hg19) VCF-style: chr15-40921518-C-T.
Other names: c.5709C>T, p.Leu1903= (NM_170589.5).
Identifiers: ClinVar variation 128584 (VCV000128584.48), dbSNP rs201853975, ClinGen allele CA152154.